The following is an entry in ClinVar:

NM_018685.5(ANLN):c.1771T>G (p.Leu591Val)

Gene: ANLN (anillin, actin binding protein; plus strand). Cytogenetic location: 7p14.2.
Variant type: single nucleotide variant.
Coding change: c.1771T>G on transcript NM_018685.5 (MANE Select); coding-DNA position 1771, T replaced by G.
Protein change: p.Leu591Val; replaces leucine 591 with valine.
Molecular consequence: missense variant.
Genome position (GRCh38, 1-based): chr7:36,419,381, T>G. VCF-style: chr7-36419381-T-G. GRCh37 (hg19) VCF-style: chr7-36458990-T-G.
Other names: c.1660T>G, p.Leu554Val (NM_001284301.3); c.1657T>G, p.Leu553Val (NM_001284302.3); short protein forms L554V, L591V, L553V.
Identifiers: ClinVar variation 2106572 (VCV002106572.4), dbSNP rs2534606187, ClinGen allele CA367212220.
Genomic context (GRCh38, chr7:36,419,381, plus strand): 5'-GATGTCCTAGAGGAAGGTGAACTAGATATGGAGAAGAGCCAAGAGGAGATGGATCAAGCA[T>G]TAGCAGAAAGCAGCGAAGAACAGGAAGATGCACTGAATATCTCCTCAATGTCTTTACTTG-3'
Protein context (NP_061155.2, residues 581-601): EKSQEEMDQA[Leu591Val]AESSEEQEDA

ClinVar aggregate classification (germline): Uncertain significance (1 of 4 stars; one submission).

gnomAD v4.1: 2 of 1,614,150 alleles (0.00012%); highest among the groups gnomAD compares: South Asian, 0.0011%; no homozygotes.

Submission:

Labcorp Genetics (formerly Invitae), Labcorp
Classification: Uncertain significance. Last evaluated: 2025-09-02. Review status: criteria provided, single submitter. Criteria: Invitae Variant Classification Sherloc (09022015). Collection method: clinical testing. Allele origin: germline.
Comment: This sequence change replaces leucine, which is neutral and non-polar, with valine, which is neutral and non-polar, at codon 591 of the ANLN protein (p.Leu591Val). This variant is not present in population databases (gnomAD no frequency). This variant has not been reported in the literature in individuals affected with ANLN-related conditions. ClinVar contains an entry for this variant (Variation ID: 2106572). Invitae Evidence Modeling of protein sequence and biophysical properties (such as structural, functional, and spatial information, amino acid conservation, physicochemical variation, residue mobility, and thermodynamic stability) indicates that this missense variant is not expected to disrupt ANLN protein function with a negative predictive value of 80%. In summary, the available evidence is currently insufficient to determine the role of this variant in disease. Therefore, it has been classified as a Variant of Uncertain Significance.